The following is an entry in ClinVar:

NM_000257.4(MYH7):c.49C>A (p.Arg17Ser)

Gene: MYH7 (myosin heavy chain 7; minus strand). Cytogenetic location: 14q11.2.
Variant type: single nucleotide variant.
Coding change: c.49C>A on transcript NM_000257.4 (MANE Select); coding-DNA position 49, C replaced by A.
Protein change: p.Arg17Ser; replaces arginine 17 with serine.
Molecular consequence: missense variant.
Genome position (GRCh38, 1-based): chr14:23,433,684, G>T on the plus strand (C>A on the coding strand, the complement: MYH7 is on the minus strand). VCF-style: chr14-23433684-G-T. GRCh37 (hg19) VCF-style: chr14-23902893-G-T.
Other names: c.49C>A, p.Arg17Ser (NM_001407004.1); short protein forms R17S.
Identifiers: ClinVar variation 3072373 (VCV003072373.2), dbSNP rs45511396, ClinGen allele CA389054099.

ClinVar aggregate classification (germline): Uncertain significance. Review status: criteria provided, multiple submitters, no conflicts (2 of 4 stars). 2 submissions from 2 submitters: Uncertain significance (2). Last evaluated 2024-08-27.

Conditions:
Cardiomyopathy (CMYO). Also called: Cardiomyopathies. Identifiers: Orphanet 167848, MedGen C0878544, MONDO:0004994, HP:0001638. Inheritance: Various modes of inheritance.

Submissions (2):

Color Diagnostics, LLC DBA Color Health
Classification: Uncertain significance for Cardiomyopathy. Last evaluated: 2024-08-27. Review status: criteria provided, single submitter. Criteria: ACMG Guidelines, 2015. Collection method: clinical testing. Allele origin: germline.
Comment: This missense variant replaces arginine with serine at codon 17 of the MYH7 protein. Computational prediction tools indicate that this variant has a deleterious impact on protein structure and function. To our knowledge, functional studies have not been reported for this variant. This variant has not been reported in individuals affected with MYH7-related disorders in the literature. This variant has not been identified in the general population by the Genome Aggregation Database (gnomAD). The available evidence is insufficient to determine the role of this variant in disease conclusively. Therefore, this variant is classified as a Variant of Uncertain Significance.

All of Us Research Program, National Institutes of Health
Classification: Uncertain significance for Cardiomyopathy. Last evaluated: 2023-07-10. Review status: criteria provided, single submitter. Criteria: ACMG Guidelines, 2015. Collection method: clinical testing. Allele origin: germline. Inheritance: Autosomal dominant inheritance. Observed: 1 variant allele, 1 heterozygote.
Comment: This missense variant replaces arginine with serine at codon 17 of the MYH7 protein. Computational prediction suggests that this variant may have a deleterious impact on protein structure and function (internally defined REVEL score threshold >= 0.7, PMID: 27666373). To our knowledge, functional studies have not been reported for this variant. This variant has not been reported in individuals affected with MYH7-related disorders in the literature. This variant has not been identified in the general population by the Genome Aggregation Database (gnomAD). The available evidence is insufficient to determine the role of this variant in disease conclusively. Therefore, this variant is classified as a Variant of Uncertain Significance.

This study involves interpretation of variants in research participants for the purpose of population health screening. Participant phenotype was not available at the time of variant classification. Additional details can be found in publication PMID: 35346344, PMCID: PMC8962531